The following is an entry in ClinVar:

ClinVar aggregate classification (germline): Pathogenic/Likely pathogenic. Review status: criteria provided, multiple submitters, no conflicts (2 of 4 stars). 2 submissions from 2 submitters: Pathogenic (1); Likely pathogenic (1). Last evaluated 2025-03-14.

Conditions:
Hereditary diffuse gastric adenocarcinoma (HDGC). Also called: DIFFUSE GASTRIC AND LOBULAR BREAST CANCER SYNDROME. Identifiers: Orphanet 26106, MedGen C1708349, MONDO:0007648, OMIM 137215.

Submissions (2):

Myriad Genetics, Inc.
Classification: Pathogenic for Hereditary diffuse gastric adenocarcinoma. Last evaluated: 2025-03-14. Review status: criteria provided, single submitter. Criteria: Myriad Autosomal Dominant, Autosomal Recessive and X-Linked Classification Criteria (2023). Collection method: clinical testing. Allele origin: unknown.
Comment: This variant is considered pathogenic. This variant occurs within a consensus splice junction and is predicted to result in abnormal mRNA splicing of either an out-of-frame exon or an in-frame exon necessary for protein stability and/or normal function. This variant has been reported in multiple individuals with clinical features of gene-specific disease [PMID: 24424140, 27730413, 9537325, Myriad internal data].

Labcorp Genetics (formerly Invitae), Labcorp
Classification: Likely pathogenic for Hereditary diffuse gastric adenocarcinoma. Last evaluated: 2020-02-09. Review status: criteria provided, single submitter. Criteria: Invitae Variant Classification Sherloc (09022015). Collection method: clinical testing. Allele origin: germline.
Comment: In summary, the currently available evidence indicates that the variant is pathogenic, but additional data are needed to prove that conclusively. Therefore, this variant has been classified as Likely Pathogenic. Donor and acceptor splice site variants typically lead to a loss of protein function (PMID: 16199547), and loss-of-function variants in CDH1 are known to be pathogenic (PMID: 15235021, 20373070). Disruption of this splice site has been observed in an individual with bilateral lobular breast cancer (PMID: 23709761). This variant is not present in population databases (ExAC no frequency). This sequence change affects a donor splice site in intron 7 of the CDH1 gene. It is expected to disrupt RNA splicing and likely results in an absent or disrupted protein product.

Literature cited by the submitters: PubMed 24424140 (cited by Myriad Genetics, Inc.); PubMed 27730413 (cited by Myriad Genetics, Inc.); PubMed 9537325 (cited by Myriad Genetics, Inc.); PubMed 16199547 (cited by Labcorp Genetics (formerly Invitae), Labcorp); PubMed 15235021 (cited by Labcorp Genetics (formerly Invitae), Labcorp); PubMed 20373070 (cited by Labcorp Genetics (formerly Invitae), Labcorp); PubMed 23709761 (cited by Labcorp Genetics (formerly Invitae), Labcorp).

NM_004360.5(CDH1):c.1008+1G>T

Gene: CDH1 (cadherin 1; plus strand). Cytogenetic location: 16q22.1.
Variant type: single nucleotide variant.
Coding change: c.1008+1G>T on transcript NM_004360.5 (MANE Select); the canonical splice donor site of the intron after coding-DNA position 1008, G replaced by T.
Molecular consequence: splice donor variant.
Genome position (GRCh38, 1-based): chr16:68,811,860, G>T. VCF-style: chr16-68811860-G-T. GRCh37 (hg19) VCF-style: chr16-68845763-G-T.
Other names: c.-608+1G>T (NM_001317185.2); c.-812+1G>T (NM_001317186.2); c.1008+1G>T (NM_001317184.2).
Identifiers: ClinVar variation 1066643 (VCV001066643.13), dbSNP rs1960844889, ClinGen allele CA396459906.